The following is an entry in ClinVar:

NM_001042545.2(LTBP4):c.3155C>T (p.Pro1052Leu)

Gene: LTBP4 (latent transforming growth factor beta binding protein 4; plus strand). Cytogenetic location: 19q13.2.
Variant type: single nucleotide variant.
Coding change: c.3155C>T on transcript NM_001042545.2 (MANE Select); coding-DNA position 3155, C replaced by T.
Protein change: p.Pro1052Leu; replaces proline 1052 with leucine.
Molecular consequence: missense variant.
Genome position (GRCh38, 1-based): chr19:40,619,431, C>T. VCF-style: chr19-40619431-C-T. GRCh37 (hg19) VCF-style: chr19-41125336-C-T.
Other names: c.3356C>T, p.Pro1119Leu (NM_001042544.1); c.3245C>T, p.Pro1082Leu (NM_003573.2); short protein forms P1082L, P1052L, P1119L.
Identifiers: ClinVar variation 1947213 (VCV001947213.5), dbSNP rs1251061361, ClinGen allele CA405940837.
Genomic context (GRCh38, chr19:40,619,431, plus strand): 5'-AGGGTGTATGTGGAGCTGCCCTGTGTGAAAATGTCGAAGGCTCCTTCCTCTGTGTCTGCC[C>T]CAACAGCCCGGAAGAGTTTGACCCCATGACTGGACGCTGTGTTCCCCCACGAACTTCTGC-3'
Protein context (NP_001036010.1, residues 1042-1062): NVEGSFLCVC[Pro1052Leu]NSPEEFDPMT

ClinVar aggregate classification (germline): Uncertain significance (1 of 4 stars; one submission).

Allele frequency attached by ClinVar (database versions not stated): gnomAD exomes 0.00001.

Submission:

Labcorp Genetics (formerly Invitae), Labcorp
Classification: Uncertain significance. Last evaluated: 2022-10-17. Review status: criteria provided, single submitter. Criteria: Invitae Variant Classification Sherloc (09022015). Collection method: clinical testing. Allele origin: germline.
Comment: This variant has not been reported in the literature in individuals affected with LTBP4-related conditions. In summary, the available evidence is currently insufficient to determine the role of this variant in disease. Therefore, it has been classified as a Variant of Uncertain Significance. Experimental studies and prediction algorithms are not available or were not evaluated, and the functional significance of this variant is currently unknown. This variant is present in population databases (no rsID available, gnomAD 0.006%). This sequence change replaces proline, which is neutral and non-polar, with leucine, which is neutral and non-polar, at codon 1082 of the LTBP4 protein (p.Pro1082Leu).